The following is an entry in ClinVar:

ClinVar aggregate classification (germline): Uncertain significance (1 of 4 stars; one submission).

Conditions:
Early Myoclonic Encephalopathy. Identifiers: MedGen C0270855.

Allele frequency attached by ClinVar (database versions not stated): gnomAD exomes 0.00002 and 0.00005; TOPMed 0.00002; ExAC 0.00003.

Submission:

Labcorp Genetics (formerly Invitae), Labcorp
Classification: Uncertain significance for Early Myoclonic Encephalopathy. Last evaluated: 2024-08-11. Review status: criteria provided, single submitter. Criteria: Invitae Variant Classification Sherloc (09022015). Collection method: clinical testing. Allele origin: germline.
Comment: This sequence change replaces proline, which is neutral and non-polar, with leucine, which is neutral and non-polar, at codon 653 of the JMJD1C protein (p.Pro653Leu). This variant is present in population databases (rs752736033, gnomAD 0.03%). This variant has not been reported in the literature in individuals affected with JMJD1C-related conditions. ClinVar contains an entry for this variant (Variation ID: 952275). Advanced modeling of protein sequence and biophysical properties (such as structural, functional, and spatial information, amino acid conservation, physicochemical variation, residue mobility, and thermodynamic stability) performed at Invitae indicates that this missense variant is not expected to disrupt JMJD1C protein function with a negative predictive value of 80%. In summary, the available evidence is currently insufficient to determine the role of this variant in disease. Therefore, it has been classified as a Variant of Uncertain Significance.

NM_032776.3(JMJD1C):c.1958C>T (p.Pro653Leu)

Gene: JMJD1C (jumonji domain containing 1C; minus strand). Cytogenetic location: 10q21.3.
Variant type: single nucleotide variant.
Coding change: c.1958C>T on transcript NM_032776.3 (MANE Select); coding-DNA position 1958, C replaced by T.
Protein change: p.Pro653Leu; replaces proline 653 with leucine.
Molecular consequence: missense variant. On other transcripts: non-coding transcript variant (1).
Genome position (GRCh38, 1-based): chr10:63,214,209, G>A on the plus strand (C>T on the coding strand, the complement: JMJD1C is on the minus strand). VCF-style: chr10-63214209-G-A. GRCh37 (hg19) VCF-style: chr10-64973969-G-A.
Other names: c.1412C>T, p.Pro471Leu (NM_001282948.2, NM_001318154.2); c.1094C>T, p.Pro365Leu (NM_001318153.2); c.1844C>T, p.Pro615Leu (NM_001322252.2); c.1301C>T, p.Pro434Leu (NM_001322254.2, NM_001322258.2); short protein forms P615L, P653L, P365L, P434L, P471L.
Identifiers: ClinVar variation 952275 (VCV000952275.8), dbSNP rs752736033, ClinGen allele CA5518711.